The following is an entry in ClinVar:

ClinVar aggregate classification (germline): Uncertain significance. Review status: criteria provided, multiple submitters, no conflicts (2 of 4 stars). 2 submissions from 2 submitters: Uncertain significance (2). Last evaluated 2023-08-15.

Conditions:
Tuberous sclerosis 1 (TSC1). Identifiers: Orphanet 805, MedGen C1854465, MONDO:0008612, OMIM 191100.
Tuberous sclerosis syndrome (TSC). Also called: Tuberous sclerosis; Tuberous Sclerosis Complex. Identifiers: Orphanet 805, MedGen C0041341, MONDO:0001734.

Allele frequency attached by ClinVar (database versions not stated): gnomAD exomes below 0.00001.
gnomAD v4.1: 1 of 1,613,202 alleles (0.000062%); highest among the groups gnomAD compares: South Asian, 0.0011%; no homozygotes.

Submissions (2):

All of Us Research Program, National Institutes of Health
Classification: Uncertain significance for Tuberous sclerosis syndrome. Last evaluated: 2023-08-15. Review status: criteria provided, single submitter. Criteria: ACMG Guidelines, 2015. Collection method: clinical testing. Allele origin: germline. Inheritance: Autosomal dominant inheritance. Observed: 1 variant allele, 1 heterozygote.
Comment: This missense variant replaces isoleucine with valine at codon 338 of the TSC1 protein. Computational prediction suggests that this variant may not impact protein structure and function (internally defined REVEL score threshold <= 0.5, PMID: 27666373). To our knowledge, functional studies have not been reported for this variant. This variant has not been reported in individuals affected with TSC1-related disorders in the literature. This variant has not been identified in the general population by the Genome Aggregation Database (gnomAD). The available evidence is insufficient to determine the role of this variant in disease conclusively. Therefore, this variant is classified as a Variant of Uncertain Significance.

This study involves interpretation of variants in research participants for the purpose of population health screening. Participant phenotype was not available at the time of variant classification. Additional details can be found in publication PMID: 35346344, PMCID: PMC8962531

Labcorp Genetics (formerly Invitae), Labcorp
Classification: Uncertain significance for Tuberous sclerosis 1. Last evaluated: 2023-04-15. Review status: criteria provided, single submitter. Criteria: Invitae Variant Classification Sherloc (09022015). Collection method: clinical testing. Allele origin: germline.
Comment: In summary, the available evidence is currently insufficient to determine the role of this variant in disease. Therefore, it has been classified as a Variant of Uncertain Significance. Algorithms developed to predict the effect of sequence changes on RNA splicing suggest that this variant may disrupt the consensus splice site. Advanced modeling of protein sequence and biophysical properties (such as structural, functional, and spatial information, amino acid conservation, physicochemical variation, residue mobility, and thermodynamic stability) performed at Invitae indicates that this missense variant is not expected to disrupt TSC1 protein function. ClinVar contains an entry for this variant (Variation ID: 1469949). This variant has not been reported in the literature in individuals affected with TSC1-related conditions. This variant is not present in population databases (gnomAD no frequency). This sequence change replaces isoleucine, which is neutral and non-polar, with valine, which is neutral and non-polar, at codon 338 of the TSC1 protein (p.Ile338Val).

NM_000368.5(TSC1):c.1012A>G (p.Ile338Val)

Gene: TSC1 (TSC complex subunit 1; minus strand). Cytogenetic location: 9q34.13.
Variant type: single nucleotide variant.
Coding change: c.1012A>G on transcript NM_000368.5 (MANE Select); coding-DNA position 1012, A replaced by G.
Protein change: p.Ile338Val; replaces isoleucine 338 with valine.
Molecular consequence: missense variant.
Genome position (GRCh38, 1-based): chr9:132,911,470, T>C on the plus strand (A>G on the coding strand, the complement: TSC1 is on the minus strand). VCF-style: chr9-132911470-T-C. GRCh37 (hg19) VCF-style: chr9-135786857-T-C.
Other names: c.1012A>G, p.Ile338Val (NM_001162426.2); c.859A>G, p.Ile287Val (NM_001162427.2); c.649A>G, p.Ile217Val (NM_001362177.2); short protein forms I287V, I217V, I338V.
Identifiers: ClinVar variation 1469949 (VCV001469949.7), dbSNP rs2131974315, ClinGen allele CA375368480.